The following is an entry in ClinVar:

NM_001042492.3(NF1):c.8478C>T (p.Ser2826=)

Gene: NF1 (neurofibromin 1; plus strand). Cytogenetic location: 17q11.2.
Variant type: single nucleotide variant.
Coding change: c.8478C>T on transcript NM_001042492.3 (MANE Select); coding-DNA position 8478, C replaced by T.
Protein change: p.Ser2826=; no amino-acid change (serine 2826 retained).
Molecular consequence: synonymous variant.
Genome position (GRCh38, 1-based): chr17:31,374,113, C>T. VCF-style: chr17-31374113-C-T. GRCh37 (hg19) VCF-style: chr17-29701131-C-T.
Other names: c.8415C>T, p.Ser2805= (NM_000267.4).
Identifiers: ClinVar variation 257308 (VCV000257308.27), dbSNP rs770148738, ClinGen allele CA8487825.

ClinVar aggregate classification (germline): Benign/Likely benign. Review status: criteria provided, multiple submitters, no conflicts (2 of 4 stars). 6 submissions from 6 submitters: Benign (1); Likely benign (5). Last evaluated 2026-05-22.

Conditions:
Cardiovascular phenotype. Identifiers: MedGen CN230736.
Hereditary cancer-predisposing syndrome. Also called: Tumor predisposition; Hereditary Cancer Syndrome; Neoplastic Syndromes, Hereditary; Hereditary neoplastic syndrome. Identifiers: Orphanet 140162, MedGen C0027672, MeSH D009386, MONDO:0015356.
Neurofibromatosis, type 1 (NF1). Also called: NEUROFIBROMATOSIS, TYPE I, SOMATIC; VON RECKLINGHAUSEN DISEASE; Neurofibromatosis, type I; Peripheral type neurofibromatosis. Identifiers: Orphanet 636, MedGen C0027831, MONDO:0018975, OMIM 162200. Disease mechanism: loss of function.

Allele frequency attached by ClinVar (database versions not stated): gnomAD exomes below 0.00001 and 0.00001; TOPMed below 0.00001; ExAC 0.00002.
gnomAD v4.1: 5 of 1,614,094 alleles (0.00031%); highest among the groups gnomAD compares: South Asian, 0.0022%; no homozygotes.

Submissions (6):

Myriad Genetics, Inc.
Classification: Benign for Neurofibromatosis, type 1. Last evaluated: 2026-05-22. Review status: criteria provided, single submitter. Criteria: Myriad Autosomal Dominant, Autosomal Recessive and X-Linked Classification Criteria (2023). Collection method: clinical testing. Allele origin: unknown.
Comment: This variant is considered benign. This variant is a silent/synonymous amino acid change and it is not expected to impact splicing.

Labcorp Genetics (formerly Invitae), Labcorp
Classification: Likely benign for Neurofibromatosis, type 1. Last evaluated: 2025-07-15. Review status: criteria provided, single submitter. Criteria: Invitae Variant Classification Sherloc (09022015). Collection method: clinical testing. Allele origin: germline.

CeGaT Center for Human Genetics Tuebingen
Classification: Likely benign. Last evaluated: 2024-10-01. Review status: criteria provided, single submitter. Criteria: CeGaT Center For Human Genetics Tuebingen Variant Classification Criteria Version 2. Collection method: clinical testing. Allele origin: germline. Affected: yes. Observed: 1 variant allele.
Comment: NF1: BP4, BP7

Ambry Genetics
Classification: Likely benign for Cardiovascular phenotype; Hereditary cancer-predisposing syndrome. Last evaluated: 2022-11-10. Review status: criteria provided, single submitter. Criteria: Ambry Variant Classification Scheme 2023. Collection method: clinical testing. Allele origin: germline.

Genome-Nilou Lab
Classification: Likely benign for Neurofibromatosis, type 1. Last evaluated: 2022-03-15. Review status: criteria provided, single submitter. Criteria: ACMG Guidelines, 2015. Collection method: clinical testing. Allele origin: germline. Affected: no.

PreventionGenetics, part of Exact Sciences
Classification: Likely benign. Review status: criteria provided, single submitter. Criteria: ACMG Guidelines, 2015. Collection method: clinical testing. Allele origin: germline.